The following is an entry in ClinVar:

NC_000009.11:g.(?_136313700)_(136315106_?)del

Gene: ADAMTS13 (ADAM metallopeptidase with thrombospondin type 1 motif 13; plus strand). Cytogenetic location: 9q34.2.
Variant type: Deletion.
Identifiers: ClinVar variation 3245398 (VCV003245398.1).

ClinVar aggregate classification (germline): Pathogenic (1 of 4 stars; one submission).

Submission:

Labcorp Genetics (formerly Invitae), Labcorp
Classification: Pathogenic. Last evaluated: 2023-06-23. Review status: criteria provided, single submitter. Criteria: Invitae Variant Classification Sherloc (09022015). Collection method: clinical testing. Allele origin: unknown.
Comment: This variant is a gross deletion of the genomic region encompassing exon(s) 22-23 of the ADAMTS13 gene. This deletion is out-of-frame, and is expected to create a premature termination codon and result in an absent or disrupted protein product. Loss-of-function variants in ADAMTS13 are known to be pathogenic (PMID: 11586351, 12753286, 21781265). For these reasons, this variant has been classified as Pathogenic. This variant has not been reported in the literature in individuals affected with ADAMTS13-related conditions.

Literature cited by the submitters: PubMed 11586351; PubMed 12753286; PubMed 21781265.